The following is an entry in ClinVar:

NM_001378454.1(ALMS1):c.1693A>T (p.Thr565Ser)

Gene: ALMS1 (ALMS1 centrosome and basal body associated protein; plus strand). Cytogenetic location: 2p13.1.
Variant type: single nucleotide variant.
Coding change: c.1693A>T on transcript NM_001378454.1 (MANE Select); coding-DNA position 1693, A replaced by T.
Protein change: p.Thr565Ser; replaces threonine 565 with serine.
Molecular consequence: missense variant.
Genome position (GRCh38, 1-based): chr2:73,448,220, A>T. VCF-style: chr2-73448220-A-T. GRCh37 (hg19) VCF-style: chr2-73675347-A-T.
Other names: c.1696A>T, p.Thr566Ser (NM_015120.4); short protein forms T566S, T565S.
Identifiers: ClinVar variation 4736741 (VCV004736741.1).

ClinVar aggregate classification (germline): Uncertain significance (1 of 4 stars; one submission).

Conditions:
Alstrom syndrome (ALMS). Identifiers: Orphanet 64, MedGen C0268425, MONDO:0008763, OMIM 203800.

Submission:

Labcorp Genetics (formerly Invitae), Labcorp
Classification: Uncertain significance for Alstrom syndrome. Last evaluated: 2025-10-19. Review status: criteria provided, single submitter. Criteria: Invitae Variant Classification Sherloc (09022015). Collection method: clinical testing. Allele origin: germline.
Comment: This sequence change replaces threonine, which is neutral and polar, with serine, which is neutral and polar, at codon 566 of the ALMS1 protein (p.Thr566Ser). This variant is not present in population databases (gnomAD no frequency). This variant has not been reported in the literature in individuals affected with ALMS1-related conditions. Experimental studies and prediction algorithms are not available or were not evaluated, and the functional significance of this variant is currently unknown. In summary, the available evidence is currently insufficient to determine the role of this variant in disease. Therefore, it has been classified as a Variant of Uncertain Significance.